The following is an entry in ClinVar:

ClinVar aggregate classification (germline): Uncertain significance. Review status: criteria provided, multiple submitters, no conflicts (2 of 4 stars). 2 submissions from 2 submitters: Uncertain significance (2). Last evaluated 2023-02-22.

Conditions:
Hyperzincemia and hypercalprotectinemia (AICZC). Also called: Hyperzincemia with functional zinc depletion; HZHC SYNDROME. Identifiers: Orphanet 251523, MedGen C4760957, MONDO:0011174, OMIM 601979.
Pyogenic arthritis-pyoderma gangrenosum-acne syndrome (PAPA). Also called: PAPA SYNDROME; FAMILIAL RECURRENT ARTHRITIS. Identifiers: Orphanet 69126, MedGen C1858361, MONDO:0011462, OMIM 604416.

Allele frequency attached by ClinVar (database versions not stated): gnomAD 0.00001; TOPMed 0.00001; gnomAD exomes 0.00002; ExAC 0.00006.
gnomAD v4.1: 36 of 1,574,490 alleles (0.0023%); highest among the groups gnomAD compares: Non-Finnish European, 0.0028%; no homozygotes.

Submissions (2):

Labcorp Genetics (formerly Invitae), Labcorp
Classification: Uncertain significance for Pyogenic arthritis-pyoderma gangrenosum-acne syndrome. Last evaluated: 2023-02-22. Review status: criteria provided, single submitter. Criteria: Invitae Variant Classification Sherloc (09022015). Collection method: clinical testing. Allele origin: germline.
Comment: In summary, the available evidence is currently insufficient to determine the role of this variant in disease. Therefore, it has been classified as a Variant of Uncertain Significance. Algorithms developed to predict the effect of sequence changes on RNA splicing suggest that this variant may disrupt the consensus splice site. Advanced modeling of protein sequence and biophysical properties (such as structural, functional, and spatial information, amino acid conservation, physicochemical variation, residue mobility, and thermodynamic stability) performed at Invitae indicates that this missense variant is not expected to disrupt PSTPIP1 protein function. ClinVar contains an entry for this variant (Variation ID: 581741). This variant has not been reported in the literature in individuals affected with PSTPIP1-related conditions. The frequency data for this variant in the population databases is considered unreliable, as metrics indicate poor data quality at this position in the gnomAD database. This sequence change replaces lysine, which is basic and polar, with arginine, which is basic and polar, at codon 168 of the PSTPIP1 protein (p.Lys168Arg).

Department of Pathology and Laboratory Medicine, Sinai Health System
Classification: Uncertain significance for Hyperzincemia and hypercalprotectinemia; Pyogenic arthritis-pyoderma gangrenosum-acne syndrome. Last evaluated: 2020-04-30. Review status: criteria provided, single submitter. Criteria: ACMG Guidelines, 2015. Collection method: research. Allele origin: germline.

NM_003978.5(PSTPIP1):c.503A>G (p.Lys168Arg)

Gene: PSTPIP1 (proline-serine-threonine phosphatase interacting protein 1; plus strand). Cytogenetic location: 15q24.3.
Variant type: single nucleotide variant.
Coding change: c.503A>G on transcript NM_003978.5 (MANE Select); coding-DNA position 503, A replaced by G.
Protein change: p.Lys168Arg; replaces lysine 168 with arginine.
Molecular consequence: missense variant. On other transcripts: non-coding transcript variant (1).
Genome position (GRCh38, 1-based): chr15:77,028,639, A>G. VCF-style: chr15-77028639-A-G. GRCh37 (hg19) VCF-style: chr15-77320980-A-G.
Other names: c.503A>G, p.Lys168Arg (NM_001321135.2); c.476A>G, p.Lys159Arg (NM_001321136.2); c.698A>G, p.Lys233Arg (NM_001321137.1); short protein forms K168R, K233R, K159R.
Identifiers: ClinVar variation 581741 (VCV000581741.9), dbSNP rs770462479, ClinGen allele CA7675839.